The following is an entry in ClinVar:

ClinVar aggregate classification (germline): Uncertain significance (1 of 4 stars; one submission).

Allele frequency attached by ClinVar (database versions not stated): gnomAD exomes below 0.00001.
gnomAD v4.1: 1 of 1,592,782 alleles (0.000063%); highest among the groups gnomAD compares: Non-Finnish European, 0.000085%; no homozygotes.

Submission:

GeneDx
Classification: Uncertain significance. Last evaluated: 2022-10-24. Review status: criteria provided, single submitter. Criteria: GeneDx Variant Classification Process June 2021. Collection method: clinical testing. Allele origin: germline. Affected: yes.
Comment: Not observed at significant frequency in large population cohorts (gnomAD); In silico analysis supports that this missense variant has a deleterious effect on protein structure/function; Has not been previously published as pathogenic or benign to our knowledge; This variant is associated with the following publications: (PMID: 25641759)

NM_001347721.2(DYRK1A):c.611A>G (p.His204Arg)

Gene: DYRK1A (dual specificity tyrosine phosphorylation regulated kinase 1A; plus strand). Cytogenetic location: 21q22.13.
Variant type: single nucleotide variant.
Coding change: c.611A>G on transcript NM_001347721.2 (MANE Select); coding-DNA position 611, A replaced by G.
Protein change: p.His204Arg; replaces histidine 204 with arginine.
Molecular consequence: missense variant.
Genome position (GRCh38, 1-based): chr21:37,486,588, A>G. VCF-style: chr21-37486588-A-G. GRCh37 (hg19) VCF-style: chr21-38858890-A-G.
Other names: c.611A>G, p.His204Arg (NM_001347722.2, NM_130436.2); c.524A>G, p.His175Arg (NM_001347723.2); c.638A>G, p.His213Arg (NM_001396.5, NM_101395.2, NM_130438.2); short protein forms H175R, H204R, H213R.
Identifiers: ClinVar variation 2499925 (VCV002499925.1), dbSNP rs2052876378, ClinGen allele CA409946074.